The following is an entry in ClinVar:

NM_002693.3(POLG):c.2510_2511del (p.Tyr837fs)

Gene: POLG (DNA polymerase gamma, catalytic subunit; minus strand). Cytogenetic location: 15q26.1.
Variant type: Deletion.
Coding change: c.2510_2511del on transcript NM_002693.3 (MANE Select); coding-DNA positions 2510 to 2511, 2 bases deleted (AT; older notation c.2510_2511delAT).
Protein change: p.Tyr837fs; shifts the reading frame from tyrosine 837.
Molecular consequence: frameshift variant.
Genome position (GRCh38, 1-based): chr15:89,321,823-89,321,824, AT deleted on the plus strand (AT on the coding strand, the reverse complement: POLG is on the minus strand); deleting any 2 consecutive bases within chr15:89,321,823-89,321,825 gives the same sequence; the c. name uses the placement nearest the transcript's 3' end. VCF-style (leftmost placement, unchanged base first): chr15-89321822-CAT-C. GRCh37 (hg19) VCF-style: chr15-89865053-CAT-C.
Other names: c.2510_2511del, p.Tyr837fs (NM_001126131.2); short protein forms Y837fs.
Identifiers: ClinVar variation 5014766 (VCV005014766.1).

ClinVar aggregate classification (germline): Pathogenic (1 of 4 stars; one submission).

Conditions:
POLG-related disorder. Also called: POLG-Related Spectrum Disorders; POLG-related condition; POLG-Related Disorders. Identifiers: MedGen C4763519.

Submission:

Myriad Genetics, Inc.
Classification: Pathogenic for POLG-related disorder. Last evaluated: 2025-07-23. Review status: criteria provided, single submitter. Criteria: Myriad Autosomal Dominant, Autosomal Recessive and X-Linked Classification Criteria (2023). Collection method: clinical testing. Allele origin: unknown.
Comment: NM_002693.2(POLG):c.2510_2511delAT(Y837Wfs*31) is expected to be pathogenic in the context of POLG-related disorders. This variant is predicted to lead to an abnormal or absent protein product due to the creation of a premature termination codon in POLG, a gene where loss-of-function variants are known to be pathogenic. Please note: this variant was assessed in the context of healthy population screening.